The following is an entry in ClinVar:

NM_001715.3(BLK):c.1022C>T (p.Ser341Leu)

Genes: BLK (BLK proto-oncogene, Src family tyrosine kinase), BLK-AS1 (BLK antisense RNA 1). Cytogenetic location: 8p23.1.
Variant type: single nucleotide variant.
Coding change: c.1022C>T on transcript NM_001715.3 (MANE Select); coding-DNA position 1022, C replaced by T.
Protein change: p.Ser341Leu; replaces serine 341 with leucine.
Molecular consequence: missense variant.
Genome position (GRCh38, 1-based): chr8:11,558,031, C>T. VCF-style: chr8-11558031-C-T. GRCh37 (hg19) VCF-style: chr8-11415540-C-T.
Other names: c.1022C>T (NM_001715.2); c.809C>T, p.Ser270Leu (NM_001330465.2); short protein forms S341L, S270L.
Identifiers: ClinVar variation 2902009 (VCV002902009.4), dbSNP rs370185692, ClinGen allele CA4630213.

ClinVar aggregate classification (germline): Uncertain significance. Review status: criteria provided, multiple submitters, no conflicts (2 of 4 stars). 2 submissions from 2 submitters: Uncertain significance (2). Last evaluated 2026-07-08.

Conditions:
BLK-related disorder. Also called: BLK-related condition.

Allele frequency attached by ClinVar (database versions not stated): gnomAD 0.00002; ExAC 0.00004; gnomAD exomes 0.00005; ESP Exome Variant Server 0.00015.
gnomAD v4.1: 72 of 1,613,844 alleles (0.0045%); highest among the groups gnomAD compares: Non-Finnish European, 0.0053%; no homozygotes.

Submissions (2):

PreventionGenetics, part of Exact Sciences
Classification: Uncertain significance for BLK-related condition. Last evaluated: 2026-07-08. Review status: criteria provided, single submitter. Criteria: ACMG Guidelines, 2015. Collection method: clinical testing. Allele origin: germline.
Comment: The BLK c.1022C>T variant is predicted to result in the amino acid substitution p.Ser341Leu. This variant has been reported in the heterozygous state in an individual with early-onset diabetes; however, detailed phenotype information was not provided (Table S3, Yu et al. 2025. PubMed ID: 40178110). This variant is reported in 0.0077% of alleles in individuals of European (Non-Finnish) descent in gnomAD. At this time, the clinical significance of this variant is uncertain due to the absence of conclusive functional and genetic evidence.

Labcorp Genetics (formerly Invitae), Labcorp
Classification: Uncertain significance. Last evaluated: 2025-11-12. Review status: criteria provided, single submitter. Criteria: Invitae Variant Classification Sherloc (09022015). Collection method: clinical testing. Allele origin: germline.
Comment: This sequence change replaces serine, which is neutral and polar, with leucine, which is neutral and non-polar, at codon 341 of the BLK protein (p.Ser341Leu). This variant is present in population databases (rs370185692, gnomAD 0.007%). This variant has not been reported in the literature in individuals affected with BLK-related conditions. ClinVar contains an entry for this variant (Variation ID: 2902009). An algorithm developed to predict the effect of missense changes on protein structure and function (PolyPhen-2) suggests that this variant is likely to be tolerated. In summary, the available evidence is currently insufficient to determine the role of this variant in disease. Therefore, it has been classified as a Variant of Uncertain Significance.